The following is an entry in ClinVar:

ClinVar aggregate classification (germline): Uncertain significance (1 of 4 stars; one submission).

Conditions:
Encephalopathy, acute, infection-induced (herpes-specific), susceptibility to, 1. Also called: Herpes simplex encephalitis, susceptibility to, 1. Identifiers: Orphanet 1930, MedGen C2750180, MONDO:0024563, OMIM 610551.

Allele frequency attached by ClinVar (database versions not stated): gnomAD exomes 0.00004 and 0.00001; TOPMed below 0.00001; gnomAD 0.00001.
gnomAD v4.1: 8 of 1,109,082 alleles (0.00072%); highest among the groups gnomAD compares: Admixed American, 0.016%; no homozygotes.

Submission:

Labcorp Genetics (formerly Invitae), Labcorp
Classification: Uncertain significance for Encephalopathy, acute, infection-induced (herpes-specific), susceptibility to, 1. Last evaluated: 2021-10-03. Review status: criteria provided, single submitter. Criteria: Invitae Variant Classification Sherloc (09022015). Collection method: clinical testing. Allele origin: germline.
Comment: This sequence change replaces threonine with isoleucine at codon 455 of the UNC93B1 protein (p.Thr455Ile). The threonine residue is moderately conserved and there is a moderate physicochemical difference between threonine and isoleucine. The frequency data for this variant in the population databases is considered unreliable, as metrics indicate poor data quality at this position in the ExAC database. This variant has not been reported in the literature in individuals with UNC93B1-related conditions. Experimental studies and prediction algorithms are not available or were not evaluated, and the functional significance of this variant is currently unknown. In summary, the available evidence is currently insufficient to determine the role of this variant in disease. Therefore, it has been classified as a Variant of Uncertain Significance.

NM_030930.4(UNC93B1):c.1364C>T (p.Thr455Ile)

Gene: UNC93B1 (unc-93B1 regulator of TLR signaling; minus strand). Cytogenetic location: 11q13.2.
Variant type: single nucleotide variant.
Coding change: c.1364C>T on transcript NM_030930.4 (MANE Select); coding-DNA position 1364, C replaced by T.
Protein change: p.Thr455Ile; replaces threonine 455 with isoleucine.
Molecular consequence: missense variant.
Genome position (GRCh38, 1-based): chr11:67,993,794, G>A on the plus strand (C>T on the coding strand, the complement: UNC93B1 is on the minus strand). VCF-style: chr11-67993794-G-A. GRCh37 (hg19) VCF-style: chr11-67761265-G-A.
Other names: short protein forms T455I.
Identifiers: ClinVar variation 1386934 (VCV001386934.3), dbSNP rs754049416, ClinGen allele CA6145382.
Genomic context (GRCh38, chr11:67,993,794, plus strand): 5'-TGGTAGATGGTGAAGATGAAGTCCTGTCTCTCCTTGTCTTCGTACAAGATTCCCAGGAGT[G>A]CTGCAGGCAGGCAGTACAGGGCAGGCAGGGGAGAGGTGTCACCTGGGGCCTGGGGCTACC-3'
Protein context (NP_112192.2, residues 445-465): GSALNKTGLS[Thr455Ile]LLGILYEDKE